The following is an entry in ClinVar:

ClinVar aggregate classification (germline): Uncertain significance (1 of 4 stars; one submission).

Allele frequency attached by ClinVar (database versions not stated): TOPMed 0.00001.

Submission:

Labcorp Genetics (formerly Invitae), Labcorp
Classification: Uncertain significance. Last evaluated: 2023-08-28. Review status: criteria provided, single submitter. Criteria: Invitae Variant Classification Sherloc (09022015). Collection method: clinical testing. Allele origin: germline.
Comment: In summary, the available evidence is currently insufficient to determine the role of this variant in disease. Therefore, it has been classified as a Variant of Uncertain Significance. Algorithms developed to predict the effect of sequence changes on RNA splicing suggest that this variant may disrupt the consensus splice site. Advanced modeling of protein sequence and biophysical properties (such as structural, functional, and spatial information, amino acid conservation, physicochemical variation, residue mobility, and thermodynamic stability) performed at Invitae indicates that this missense variant is not expected to disrupt INTU protein function. This variant has not been reported in the literature in individuals affected with INTU-related conditions. This variant is not present in population databases (gnomAD no frequency). This sequence change replaces glycine, which is neutral and non-polar, with valine, which is neutral and non-polar, at codon 682 of the INTU protein (p.Gly682Val).

NM_015693.4(INTU):c.2045G>T (p.Gly682Val)

Gene: INTU (inturned planar cell polarity protein; plus strand). Cytogenetic location: 4q28.1.
Variant type: single nucleotide variant.
Coding change: c.2045G>T on transcript NM_015693.4 (MANE Select); coding-DNA position 2045, G replaced by T.
Protein change: p.Gly682Val; replaces glycine 682 with valine.
Molecular consequence: missense variant.
Genome position (GRCh38, 1-based): chr4:127,706,743, G>T. VCF-style: chr4-127706743-G-T. GRCh37 (hg19) VCF-style: chr4-128627898-G-T.
Other names: short protein forms G682V.
Identifiers: ClinVar variation 2959067 (VCV002959067.3), dbSNP rs886072141, ClinGen allele CA105640088.
Genomic context (GRCh38, chr4:127,706,743, plus strand): 5'-CTGGATCACGTGAAAAAACAGATAGCTTGACCACTTCGCCTATTCTCAGTAGGCTACAAG[G>T]TACTTCCAAAGTAGCAACTTCTCCAACATGCAGAAGAACGCTTTTTGGTGACTATTCCTT-3'
Protein context (NP_056508.2, residues 672-692): TTSPILSRLQ[Gly682Val]TSKVATSPTC